The following is an entry in ClinVar:

ClinVar aggregate classification (germline): Uncertain significance (1 of 4 stars; one submission).

Conditions:
Cardiovascular phenotype. Identifiers: MedGen CN230736.

Submission:

Ambry Genetics
Classification: Uncertain significance for Cardiovascular phenotype. Last evaluated: 2022-06-06. Review status: criteria provided, single submitter. Criteria: Ambry Variant Classification Scheme 2023. Collection method: clinical testing. Allele origin: germline.
Comment: The p.P231T variant (also known as c.691C>A), located in coding exon 6 of the TBX5 gene, results from a C to A substitution at nucleotide position 691. The proline at codon 231 is replaced by threonine, an amino acid with highly similar properties. This amino acid position is conserved. In addition, this alteration is predicted to be deleterious by in silico analysis. Since supporting evidence is limited at this time, the clinical significance of this alteration remains unclear.

NM_181486.4(TBX5):c.691C>A (p.Pro231Thr)

Gene: TBX5 (T-box transcription factor 5; minus strand). Cytogenetic location: 12q24.21.
Variant type: single nucleotide variant.
Coding change: c.691C>A on transcript NM_181486.4 (MANE Select); coding-DNA position 691, C replaced by A.
Protein change: p.Pro231Thr; replaces proline 231 with threonine.
Molecular consequence: missense variant.
Genome position (GRCh38, 1-based): chr12:114,385,540, G>T on the plus strand (C>A on the coding strand, the complement: TBX5 is on the minus strand). VCF-style: chr12-114385540-G-T. GRCh37 (hg19) VCF-style: chr12-114823345-G-T.
Other names: c.691C>A, p.Pro231Thr (NM_000192.3); c.541C>A, p.Pro181Thr (NM_080717.4); short protein forms P231T, P181T.
Identifiers: ClinVar variation 1756152 (VCV001756152.2), dbSNP rs2136397905, ClinGen allele CA386859752.